The following is an entry in ClinVar:

NM_006922.4(SCN3A):c.2876T>A (p.Met959Lys)

Gene: SCN3A (sodium voltage-gated channel alpha subunit 3; minus strand). Cytogenetic location: 2q24.3.
Variant type: single nucleotide variant.
Coding change: c.2876T>A on transcript NM_006922.4 (MANE Select); coding-DNA position 2876, T replaced by A.
Protein change: p.Met959Lys; replaces methionine 959 with lysine.
Molecular consequence: missense variant.
Genome position (GRCh38, 1-based): chr2:165,129,986, A>T on the plus strand (T>A on the coding strand, the complement: SCN3A is on the minus strand). VCF-style: chr2-165129986-A-T. GRCh37 (hg19) VCF-style: chr2-165986496-A-T.
Other names: c.2729T>A, p.Met910Lys (NM_001081676.2, NM_001081677.2); c.2876T>A (NM_006922.3); short protein forms M910K, M959K.
Identifiers: ClinVar variation 1000434 (VCV001000434.9), dbSNP rs1687216481, ClinGen allele CA349042315.

ClinVar aggregate classification (germline): Uncertain significance. Review status: criteria provided, multiple submitters, no conflicts (2 of 4 stars). 2 submissions from 2 submitters: Uncertain significance (2). Last evaluated 2026-01-29.

Submissions (2):

GeneDx
Classification: Uncertain significance. Last evaluated: 2026-01-29. Review status: criteria provided, single submitter. Criteria: GeneDx Variant Classification Process June 2021. Collection method: clinical testing. Allele origin: germline.
Comment: Not observed at significant frequency in large population cohorts (gnomAD); In silico analysis supports that this missense variant has a deleterious effect on protein structure/function; Has not been previously published as pathogenic or benign to our knowledge

Labcorp Genetics (formerly Invitae), Labcorp
Classification: Uncertain significance. Last evaluated: 2020-09-01. Review status: criteria provided, single submitter. Criteria: Invitae Variant Classification Sherloc (09022015). Collection method: clinical testing. Allele origin: germline.
Comment: This sequence change replaces methionine with lysine at codon 959 of the SCN3A protein (p.Met959Lys). The methionine residue is highly conserved and there is a moderate physicochemical difference between methionine and lysine. This variant is not present in population databases (ExAC no frequency). This variant has not been reported in the literature in individuals with SCN3A-related conditions. Algorithms developed to predict the effect of missense changes on protein structure and function are either unavailable or do not agree on the potential impact of this missense change (SIFT: "Deleterious"; PolyPhen-2: "Benign"; Align-GVGD: "Class C35"). In summary, the available evidence is currently insufficient to determine the role of this variant in disease. Therefore, it has been classified as a Variant of Uncertain Significance.